The following is an entry in ClinVar:

NM_198994.3(TGM6):c.1103G>A (p.Arg368Gln)

Gene: TGM6 (transglutaminase 6; plus strand). Cytogenetic location: 20p13.
Variant type: single nucleotide variant.
Coding change: c.1103G>A on transcript NM_198994.3 (MANE Select); coding-DNA position 1103, G replaced by A.
Protein change: p.Arg368Gln; replaces arginine 368 with glutamine.
Molecular consequence: missense variant.
Genome position (GRCh38, 1-based): chr20:2,403,590, G>A. VCF-style: chr20-2403590-G-A. GRCh37 (hg19) VCF-style: chr20-2384236-G-A.
Other names: p.Arg368Gln; c.1103G>A, p.Arg368Gln (NM_001254734.2); short protein forms R368Q.
Identifiers: ClinVar variation 337921 (VCV000337921.18), dbSNP rs75122556, ClinGen allele CA9731978.

ClinVar aggregate classification (germline): Benign/Likely benign. Review status: criteria provided, multiple submitters, no conflicts (2 of 4 stars). 6 submissions from 6 submitters: Benign (4); Likely benign (2). Last evaluated 2026-01-25.

Conditions:
Spinocerebellar ataxia type 35. Identifiers: Orphanet 276193, MedGen C3888031, MONDO:0013485, OMIM 613908.

Allele frequency attached by ClinVar (database versions not stated): gnomAD exomes 0.00272; ExAC 0.00316; gnomAD 0.00708 and 0.00731; ESP Exome Variant Server 0.00753; TOPMed 0.00818; 1000 Genomes Project 0.01338; 1000 Genomes Project 30x 0.01468.

Submissions (6):

Labcorp Genetics (formerly Invitae), Labcorp
Classification: Benign. Last evaluated: 2026-01-25. Review status: criteria provided, single submitter. Criteria: Invitae Variant Classification Sherloc (09022015). Collection method: clinical testing. Allele origin: germline.

Mayo Clinic Laboratories, Mayo Clinic
Classification: Benign. Last evaluated: 2024-02-02. Review status: criteria provided, single submitter. Criteria: ACMG Guidelines, 2015. Collection method: clinical testing. Allele origin: germline. Observed: 6 variant alleles.
Comment: BS1, BS2, BP4

Athena Diagnostics
Classification: Benign. Last evaluated: 2024-01-10. Review status: criteria provided, single submitter. Criteria: Athena Diagnostics Criteria. Collection method: clinical testing. Allele origin: unknown.

GeneDx
Classification: Likely benign. Last evaluated: 2022-06-01. Review status: criteria provided, single submitter. Criteria: GeneDx Variant Classification Process June 2021. Collection method: clinical testing. Allele origin: germline. Affected: yes.
Comment: See Variant Classification Assertion Criteria.

Illumina Laboratory Services, Illumina
Classification: Benign for Spinocerebellar ataxia type 35. Last evaluated: 2018-01-12. Review status: criteria provided, single submitter. Criteria: ICSL Variant Classification Criteria 13 December 2019. Collection method: clinical testing. Allele origin: germline.
Comment: This variant was observed in the ICSL laboratory as part of a predisposition screen in an ostensibly healthy population. It had not been previously curated by ICSL or reported in the Human Gene Mutation Database (HGMD: prior to June 1st, 2018), and was therefore a candidate for classification through an automated scoring system. Utilizing variant allele frequency, disease prevalence and penetrance estimates, and inheritance mode, an automated score was calculated to assess if this variant is too frequent to cause the disease. Based on the score and internal cut-off values, a variant classified as benign is not then subjected to further curation. The score for this variant resulted in a classification of benign for this disease.

Breakthrough Genomics
Classification: Likely benign. Review status: criteria provided, single submitter. Criteria: ACMG Guidelines, 2015. Collection method: not provided. Allele origin: germline. Inheritance: Autosomal dominant inheritance. Affected: yes.

Literature cited by the submitters: PubMed 37007936 (cited by Athena Diagnostics); PubMed 24637876 (cited by Athena Diagnostics).